The following is an entry in ClinVar:

ClinVar aggregate classification (germline): Uncertain significance (1 of 4 stars; one submission).

Submission:

Ambry Genetics
Classification: Uncertain significance. Last evaluated: 2025-04-06. Review status: criteria provided, single submitter. Criteria: Ambry Variant Classification Scheme 2023. Collection method: clinical testing. Allele origin: germline.
Comment: The p.V1000A variant (also known as c.2999T>C), located in coding exon 11 of the WNK2 gene, results from a T to C substitution at nucleotide position 2999. The valine at codon 1000 is replaced by alanine, an amino acid with similar properties. This amino acid position is conserved. In addition, this alteration is predicted to be tolerated by in silico analysis. Based on the available evidence, the clinical significance of this variant remains unclear.

NM_006648.4(WNK2):c.2999T>C (p.Val1000Ala)

Gene: WNK2 (WNK lysine deficient protein kinase 2; plus strand). Cytogenetic location: 9q22.31.
Variant type: single nucleotide variant.
Coding change: c.2999T>C on transcript NM_006648.4 (MANE Select); coding-DNA position 2999, T replaced by C.
Protein change: p.Val1000Ala; replaces valine 1000 with alanine.
Molecular consequence: missense variant.
Genome position (GRCh38, 1-based): chr9:93,259,547, T>C. VCF-style: chr9-93259547-T-C. GRCh37 (hg19) VCF-style: chr9-96021829-T-C.
Other names: c.2999T>C, p.Val1000Ala (NM_001282394.3); short protein forms V1000A.
Identifiers: ClinVar variation 3981818 (VCV003981818.1).